The following is an entry in ClinVar:

NM_000093.5(COL5A1):c.1762G>C (p.Val588Leu)

Gene: COL5A1 (collagen type V alpha 1 chain; plus strand). Cytogenetic location: 9q34.3.
Variant type: single nucleotide variant.
Coding change: c.1762G>C on transcript NM_000093.5 (MANE Select); coding-DNA position 1762, G replaced by C.
Protein change: p.Val588Leu; replaces valine 588 with leucine.
Molecular consequence: missense variant.
Genome position (GRCh38, 1-based): chr9:134,753,892, G>C. VCF-style: chr9-134753892-G-C. GRCh37 (hg19) VCF-style: chr9-137645738-G-C.
Other names: c.1762G>C, p.Val588Leu (NM_001278074.1); short protein forms V588L.
Identifiers: ClinVar variation 1779610 (VCV001779610.4), dbSNP rs918680618, ClinGen allele CA375444892.

ClinVar aggregate classification (germline): Uncertain significance. Review status: criteria provided, multiple submitters, no conflicts (2 of 4 stars). 2 submissions from 2 submitters: Uncertain significance (2). Last evaluated 2024-04-10.

Conditions:
Ehlers-Danlos syndrome, classic type, 1 (EDSCL1). Also called: Ehlers-Danlos syndrome, type 1; Ehlers-Danlos Syndrome, Classic Type, COL5A1-Related; EDS I; EHLERS-DANLOS SYNDROME, GRAVIS TYPE; EHLERS-DANLOS SYNDROME, SEVERE CLASSIC TYPE. Identifiers: MedGen C0268335, MONDO:0019567, OMIM 130000.
Familial thoracic aortic aneurysm and aortic dissection (TAAD). Also called: Thoracic aortic aneurysms and dissections. Identifiers: Orphanet 91387, MedGen C4707243, MONDO:0019625.

gnomAD v4.1: 2 of 1,613,702 alleles (0.00012%); highest among the groups gnomAD compares: African/African-American, 0.0013%; no homozygotes.

Submissions (2):

Labcorp Genetics (formerly Invitae), Labcorp
Classification: Uncertain significance for Ehlers-Danlos syndrome, classic type, 1. Last evaluated: 2024-04-10. Review status: criteria provided, single submitter. Criteria: Invitae Variant Classification Sherloc (09022015). Collection method: clinical testing. Allele origin: germline.
Comment: This sequence change replaces valine, which is neutral and non-polar, with leucine, which is neutral and non-polar, at codon 588 of the COL5A1 protein (p.Val588Leu). This variant is not present in population databases (gnomAD no frequency). This missense change has been observed in individual(s) with clinical features of COL5A1-related conditions (Invitae). ClinVar contains an entry for this variant (Variation ID: 1779610). Advanced modeling of protein sequence and biophysical properties (such as structural, functional, and spatial information, amino acid conservation, physicochemical variation, residue mobility, and thermodynamic stability) performed at Invitae indicates that this missense variant is not expected to disrupt COL5A1 protein function with a negative predictive value of 95%. In summary, the available evidence is currently insufficient to determine the role of this variant in disease. Therefore, it has been classified as a Variant of Uncertain Significance.

Ambry Genetics
Classification: Uncertain significance for Familial thoracic aortic aneurysm and aortic dissection. Last evaluated: 2020-12-09. Review status: criteria provided, single submitter. Criteria: Ambry Variant Classification Scheme 2023. Collection method: clinical testing. Allele origin: germline.
Comment: The p.V588L variant (also known as c.1762G>C), located in coding exon 15 of the COL5A1 gene, results from a G to C substitution at nucleotide position 1762. The valine at codon 588 is replaced by leucine, an amino acid with highly similar properties. This amino acid position is poorly conserved in available vertebrate species. In addition, this alteration is predicted to be tolerated by in silico analysis. Since supporting evidence is limited at this time, the clinical significance of this alteration remains unclear.